The following is an entry in ClinVar:

NM_000631.5(NCF4):c.759-7C>G

Gene: NCF4 (neutrophil cytosolic factor 4; plus strand). Cytogenetic location: 22q12.3.
Variant type: single nucleotide variant.
Coding change: c.759-7C>G on transcript NM_000631.5 (MANE Select); 7 bases into the intron before coding-DNA position 759, C replaced by G.
Molecular consequence: intron variant. On other transcripts: missense variant (1).
Genome position (GRCh38, 1-based): chr22:36,876,022, C>G. VCF-style: chr22-36876022-C-G. GRCh37 (hg19) VCF-style: chr22-37272064-C-G.
Other names: c.997C>G, p.Pro333Ala (NM_013416.4); short protein forms P333A.
Identifiers: ClinVar variation 848725 (VCV000848725.12), dbSNP rs146292447, ClinGen allele CA411390328.

ClinVar aggregate classification (germline): Uncertain significance (1 of 4 stars; one submission).

Conditions:
Granulomatous disease, chronic, autosomal recessive, cytochrome b-positive, type 3. Also called: CGD, AUTOSOMAL RECESSIVE CYTOCHROME b-POSITIVE, TYPE III; GRANULOMATOUS DISEASE, CHRONIC, AUTOSOMAL RECESSIVE, 3; GRANULOMATOUS DISEASE, CHRONIC, DUE TO NCF4 DEFICIENCY; Granulomatous disease, chronic, autosomal recessive, cytochrome b-positive, type III. Identifiers: Orphanet 379, MedGen C3151409, MONDO:0013507, OMIM 613960.

gnomAD v4.1: 1 of 1,613,536 alleles (0.000062%); highest among the groups gnomAD compares: Non-Finnish European, 0.000085%; no homozygotes.

Submission:

Labcorp Genetics (formerly Invitae), Labcorp
Classification: Uncertain significance for Granulomatous disease, chronic, autosomal recessive, cytochrome b-positive, type 3. Last evaluated: 2019-12-30. Review status: criteria provided, single submitter. Criteria: Invitae Variant Classification Sherloc (09022015). Collection method: clinical testing. Allele origin: germline.
Comment: This sequence change replaces proline with alanine at codon 333 of the NCF4 protein (p.Pro333Ala). The proline residue is weakly conserved and there is a small physicochemical difference between proline and alanine. This variant is not present in population databases (ExAC no frequency). This variant has not been reported in the literature in individuals with NCF4-related conditions. Algorithms developed to predict the effect of missense changes on protein structure and function are either unavailable or do not agree on the potential impact of this missense change (SIFT: "Tolerated"; PolyPhen-2: "Possibly Damaging"; Align-GVGD: "Class C0"). In summary, the available evidence is currently insufficient to determine the role of this variant in disease. Therefore, it has been classified as a Variant of Uncertain Significance.